The following is an entry in ClinVar:

NM_016156.6(MTMR2):c.1479+1_1479+2del

Gene: MTMR2 (myotubularin related protein 2; minus strand). Cytogenetic location: 11q21.
Variant type: Deletion.
Coding change: c.1479+1_1479+2del on transcript NM_016156.6 (MANE Select); the canonical splice donor site of the intron after coding-DNA position 1479, 2 bases deleted (GT; older notation c.1479+1_1479+2delGT).
Molecular consequence: splice donor variant.
Genome position (GRCh38, 1-based): chr11:95,841,615-95,841,616, AC deleted on the plus strand (GT on the coding strand, the reverse complement: MTMR2 is on the minus strand). VCF-style (leftmost placement, unchanged base first): chr11-95841614-TAC-T. GRCh37 (hg19) VCF-style: chr11-95574778-TAC-T.
Other names: c.1263+1_1263+2del (NM_201281.3, NM_201278.3, NM_001243571.2).
Identifiers: ClinVar variation 3728495 (VCV003728495.2).

ClinVar aggregate classification (germline): Likely pathogenic (1 of 4 stars; one submission).

Conditions:
Charcot-Marie-Tooth disease type 4. Also called: Charcot-Marie-Tooth disease, type IV; Charcot-Marie-Tooth, Type 4. Identifiers: Orphanet 64749, MedGen C4082197, MONDO:0018995.

Submission:

Labcorp Genetics (formerly Invitae), Labcorp
Classification: Likely pathogenic for Charcot-Marie-Tooth disease type 4. Last evaluated: 2025-01-05. Review status: criteria provided, single submitter. Criteria: Invitae Variant Classification Sherloc (09022015). Collection method: clinical testing. Allele origin: germline.
Comment: This sequence change affects a splice site in intron 12 of the MTMR2 gene. It is expected to disrupt RNA splicing. Variants that disrupt the donor or acceptor splice site typically lead to a loss of protein function (PMID: 16199547), and loss-of-function variants in MTMR2 are known to be pathogenic (PMID: 10802647). This variant is not present in population databases (gnomAD no frequency). This variant has not been reported in the literature in individuals affected with MTMR2-related conditions. Algorithms developed to predict the effect of sequence changes on RNA splicing suggest that this variant may disrupt the consensus splice site. In summary, the currently available evidence indicates that the variant is pathogenic, but additional data are needed to prove that conclusively. Therefore, this variant has been classified as Likely Pathogenic.

Literature cited by the submitters: PubMed 16199547; PubMed 10802647.